The following is an entry in ClinVar:

ClinVar aggregate classification (germline): Uncertain significance (1 of 4 stars; one submission).

Submission:

Ambry Genetics
Classification: Uncertain significance. Last evaluated: 2025-03-25. Review status: criteria provided, single submitter. Criteria: Ambry Variant Classification Scheme 2023. Collection method: clinical testing. Allele origin: germline.
Comment: The p.P552S variant (also known as c.1654C>T), located in coding exon 2 of the CDK12 gene, results from a C to T substitution at nucleotide position 1654. The proline at codon 552 is replaced by serine, an amino acid with similar properties. This amino acid position is conserved. In addition, the in silico prediction for this alteration is inconclusive. Based on the available evidence, the clinical significance of this variant remains unclear.

NM_016507.4(CDK12):c.1654C>T (p.Pro552Ser)

Gene: CDK12 (cyclin dependent kinase 12; plus strand). Cytogenetic location: 17q12.
Variant type: single nucleotide variant.
Coding change: c.1654C>T on transcript NM_016507.4 (MANE Select); coding-DNA position 1654, C replaced by T.
Protein change: p.Pro552Ser; replaces proline 552 with serine.
Molecular consequence: missense variant.
Genome position (GRCh38, 1-based): chr17:39,471,486, C>T. VCF-style: chr17-39471486-C-T. GRCh37 (hg19) VCF-style: chr17-37627739-C-T.
Other names: c.1654C>T, p.Pro552Ser (NM_015083.4); short protein forms P552S.
Identifiers: ClinVar variation 3999268 (VCV003999268.1).
Genomic context (GRCh38, chr17:39,471,486, plus strand): 5'-ATTGCTTCTCCCCCACCCCCTCTACCAACTACTACCCCTCCACCTCAGACACCCCCTTTG[C>T]CACCTTTGCCTCCAATACCAGCTCTTCCACAGCAACCACCTCTGCCTCCTTCTCAGCCAG-3'
Protein context (NP_057591.2, residues 542-562): TTPPPQTPPL[Pro552Ser]PLPPIPALPQ